The following is an entry in ClinVar:

ClinVar aggregate classification (germline): Uncertain significance (1 of 4 stars; one submission).

Conditions:
Cardiovascular phenotype. Identifiers: MedGen CN230736.

Allele frequency attached by ClinVar (database versions not stated): gnomAD exomes below 0.00001.

Submission:

Ambry Genetics
Classification: Uncertain significance for Cardiovascular phenotype. Last evaluated: 2024-06-24. Review status: criteria provided, single submitter. Criteria: Ambry Variant Classification Scheme 2023. Collection method: clinical testing. Allele origin: germline.
Comment: The p.T569I variant (also known as c.1706C>T), located in coding exon 30 of the TRDN gene, results from a C to T substitution at nucleotide position 1706. The threonine at codon 569 is replaced by isoleucine, an amino acid with similar properties. This amino acid position is conserved. In addition, this alteration is predicted to be tolerated by in silico analysis. Based on the available evidence, the clinical significance of this variant remains unclear.

NM_006073.4(TRDN):c.1706C>T (p.Thr569Ile)

Gene: TRDN (triadin; minus strand). Cytogenetic location: 6q22.31.
Variant type: single nucleotide variant.
Coding change: c.1706C>T on transcript NM_006073.4 (MANE Select); coding-DNA position 1706, C replaced by T.
Protein change: p.Thr569Ile; replaces threonine 569 with isoleucine.
Molecular consequence: missense variant.
Genome position (GRCh38, 1-based): chr6:123,271,153, G>A on the plus strand (C>T on the coding strand, the complement: TRDN is on the minus strand). VCF-style: chr6-123271153-G-A. GRCh37 (hg19) VCF-style: chr6-123592298-G-A.
Other names: short protein forms T569I.
Identifiers: ClinVar variation 2268087 (VCV002268087.3), dbSNP rs1582805204, ClinGen allele CA365564458.
Genomic context (GRCh38, chr6:123,271,153, plus strand): 5'-TAACATATAATGAGACATAGAAAAAAATATAAAATACCTTATTTACCTGTTTTTTCTATT[G>A]TGACAGCTTTTACCTGCTTGAGAACTTTTTCTTCTGTGATAGGAAAAAATGTTAACACAA-3'
Protein context (NP_006064.2, residues 559-579): EKVLKQVKAV[Thr569Ile]IEKTAKPKPT